The following is an entry in ClinVar:

NM_001378778.1(MPDZ):c.3742-13T>C

Gene: MPDZ (multiple PDZ domain crumbs cell polarity complex component; minus strand). Cytogenetic location: 9p23.
Variant type: single nucleotide variant.
Coding change: c.3742-13T>C on transcript NM_001378778.1 (MANE Select); 13 bases into the intron before coding-DNA position 3742, T replaced by C.
Molecular consequence: intron variant.
Genome position (GRCh38, 1-based): chr9:13,143,577, A>G on the plus strand (T>C on the coding strand, the complement: MPDZ is on the minus strand). VCF-style: chr9-13143577-A-G. GRCh37 (hg19) VCF-style: chr9-13143576-A-G.
Other names: c.3631-3428T>C (NM_001375425.1, NM_001375420.1, NM_001375423.1 and 4 more transcripts); c.3742-3428T>C (NM_001375419.1, NM_001375416.1, NM_001375418.1 and 3 more transcripts); c.3742-13T>C (NM_001330637.2, NM_003829.5, NM_001375413.1); c.3433-3428T>C (NM_001375427.1).
Identifiers: ClinVar variation 3685473 (VCV003685473.2).
Genomic context (GRCh38, chr9:13,143,577, plus strand): 5'-GTTGTACTTAGGGTAAAGGTTGTGCAGCAAGGAAGGCAAAGGGGATTTCTAAAAGGAAAC[A>G]TAAGAGGCGCTGAACGCAAAGGAAATGTATTGAAAACAACTCAGTTTTAAAAGCAAAGTA-3'

ClinVar aggregate classification (germline): Uncertain significance (1 of 4 stars; one submission).

gnomAD v4.1: 4 of 1,601,146 alleles (0.00025%); highest among the groups gnomAD compares: Non-Finnish European, 0.00034%; no homozygotes.

Submission:

Labcorp Genetics (formerly Invitae), Labcorp
Classification: Uncertain significance. Last evaluated: 2024-05-17. Review status: criteria provided, single submitter. Criteria: Invitae Variant Classification Sherloc (09022015). Collection method: clinical testing. Allele origin: germline.
Comment: This sequence change falls in intron 26 of the MPDZ gene. It does not directly change the encoded amino acid sequence of the MPDZ protein. This variant is present in population databases (rs372074346, gnomAD 0.002%). This variant has not been reported in the literature in individuals affected with MPDZ-related conditions. Algorithms developed to predict the effect of sequence changes on RNA splicing suggest that this variant may disrupt the consensus splice site. In summary, the available evidence is currently insufficient to determine the role of this variant in disease. Therefore, it has been classified as a Variant of Uncertain Significance.